The following is an entry in ClinVar:

ClinVar aggregate classification (germline): Benign/Likely benign. Review status: criteria provided, multiple submitters, no conflicts (2 of 4 stars). 4 submissions from 4 submitters: Benign (2); Likely benign (1). 1 of the submissions does not count toward it. Last evaluated 2026-01-05.

Conditions:
FZD5-related disorder. Also called: FZD5-related condition.

Allele frequency attached by ClinVar (database versions not stated): 1000 Genomes Project 30x 0.00031; ESP Exome Variant Server 0.00161; gnomAD 0.00208.
gnomAD v4.1: 5,416 of 1,610,988 alleles (0.34%); highest among the groups gnomAD compares: Non-Finnish European, 0.42%; 14 homozygotes.

Submissions (4):

Labcorp Genetics (formerly Invitae), Labcorp
Classification: Benign. Last evaluated: 2026-01-05. Review status: criteria provided, single submitter. Criteria: Invitae Variant Classification Sherloc (09022015). Collection method: clinical testing. Allele origin: germline.

Blueprint Genetics
Classification: Likely benign. Last evaluated: 2024-11-25. Review status: criteria provided, single submitter. Criteria: ACMG Guidelines, 2015. Collection method: clinical testing. Allele origin: germline.

Breakthrough Genomics
Classification: Benign. Review status: criteria provided, single submitter. Criteria: ACMG Guidelines, 2015. Collection method: not provided. Allele origin: germline. Inheritance: Unknown mechanism. Affected: yes.

PreventionGenetics, part of Exact Sciences
Classification: Likely benign for FZD5-related condition. Last evaluated: 2019-03-22. Review status: no assertion criteria provided. Collection method: clinical testing. Allele origin: germline. Not counted in ClinVar's aggregate classification.
Comment: This variant is classified as likely benign based on ACMG/AMP sequence variant interpretation guidelines (Richards et al. 2015 PMID: 25741868, with internal and published modifications).

NM_003468.4(FZD5):c.1473C>T (p.Thr491=)

Gene: FZD5 (frizzled class receptor 5; minus strand). Cytogenetic location: 2q33.3.
Variant type: single nucleotide variant.
Coding change: c.1473C>T on transcript NM_003468.4 (MANE Select); coding-DNA position 1473, C replaced by T.
Protein change: p.Thr491=; no amino-acid change (threonine 491 retained).
Molecular consequence: synonymous variant.
Genome position (GRCh38, 1-based): chr2:207,767,267, G>A on the plus strand (C>T on the coding strand, the complement: FZD5 is on the minus strand). VCF-style: chr2-207767267-G-A. GRCh37 (hg19) VCF-style: chr2-208631991-G-A.
Other names: c.1473C>T (NM_003468.3).
Identifiers: ClinVar variation 1631075 (VCV001631075.12), dbSNP rs148996330, ClinGen allele CA2076897.
Genomic context (GRCh38, chr2:207,767,267, plus strand): 5'-CAGGCACATGAAGTACTTGAGCATGAGCACCCAGTACTCGGGCTTGGCGCGCGGCTGGCC[G>A]GTGTCGTGGCCCGGGCAGGCGCAGGTGAGCGCCGCCTCCCAGCTCTCGCGGTAGTGCTGC-3'
Protein context (NP_003459.2, residues 481-501): ALTCACPGHD[Thr491=]GQPRAKPEYW